The following is an entry in ClinVar:

NM_001378454.1(ALMS1):c.11601C>T (p.Phe3867=)

Gene: ALMS1 (ALMS1 centrosome and basal body associated protein; plus strand). Cytogenetic location: 2p13.1.
Variant type: single nucleotide variant.
Coding change: c.11601C>T on transcript NM_001378454.1 (MANE Select); coding-DNA position 11601, C replaced by T.
Protein change: p.Phe3867=; no amino-acid change (phenylalanine 3867 retained).
Molecular consequence: synonymous variant.
Genome position (GRCh38, 1-based): chr2:73,599,454, C>T. VCF-style: chr2-73599454-C-T. GRCh37 (hg19) VCF-style: chr2-73826581-C-T.
Other names: c.11604C>T, p.Phe3868= (NM_015120.4).
Identifiers: ClinVar variation 240978 (VCV000240978.47), dbSNP rs80009262, ClinGen allele CA1715255.

ClinVar aggregate classification (germline): Benign/Likely benign. Review status: criteria provided, multiple submitters, no conflicts (2 of 4 stars). 9 submissions from 9 submitters: Benign (1); Likely benign (6). 2 of the submissions do not count toward it. Last evaluated 2026-02-01.

Conditions:
Cardiovascular phenotype. Identifiers: MedGen CN230736.
Alstrom syndrome (ALMS). Identifiers: Orphanet 64, MedGen C0268425, MONDO:0008763, OMIM 203800.

Allele frequency attached by ClinVar (database versions not stated): gnomAD exomes 0.00045; gnomAD 0.00162; ESP Exome Variant Server 0.00185; TOPMed 0.00205; 1000 Genomes Project 0.00260; 1000 Genomes Project 30x 0.00297.
gnomAD v4.1: 545 of 1,613,550 alleles (0.034%); highest among the groups gnomAD compares: African/African-American, 0.65%; 2 homozygotes.

Submissions (9):

Labcorp Genetics (formerly Invitae), Labcorp
Classification: Benign for Alstrom syndrome. Last evaluated: 2026-02-01. Review status: criteria provided, single submitter. Criteria: Invitae Variant Classification Sherloc (09022015). Collection method: clinical testing. Allele origin: germline.

Women's Health and Genetics/Laboratory Corporation of America, LabCorp
Classification: Likely benign. Last evaluated: 2025-05-22. Review status: criteria provided, single submitter. Criteria: LabCorp Variant Classification Summary - May 2015. Collection method: clinical testing. Allele origin: germline.

Blueprint Genetics
Classification: Likely benign. Last evaluated: 2024-11-26. Review status: criteria provided, single submitter. Criteria: ACMG Guidelines, 2015. Collection method: clinical testing. Allele origin: germline.

CeGaT Center for Human Genetics Tuebingen
Classification: Likely benign. Last evaluated: 2023-04-01. Review status: criteria provided, single submitter. Criteria: CeGaT Center For Human Genetics Tuebingen Variant Classification Criteria Version 2. Collection method: clinical testing. Allele origin: germline. Affected: yes. Observed: 1 variant allele.
Comment: ALMS1: BP4, BP7, BS2

GeneDx
Classification: Likely benign. Last evaluated: 2021-03-04. Review status: criteria provided, single submitter. Criteria: GeneDx Variant Classification Process June 2021. Collection method: clinical testing. Allele origin: germline. Affected: yes.

Ambry Genetics
Classification: Likely benign for Cardiovascular phenotype. Last evaluated: 2019-03-06. Review status: criteria provided, single submitter. Criteria: Ambry Variant Classification Scheme 2023. Collection method: clinical testing. Allele origin: germline.

Genetic Services Laboratory, University of Chicago
Classification: Likely benign. Last evaluated: 2018-09-27. Review status: criteria provided, single submitter. Criteria: ACMG Guidelines, 2015. Collection method: clinical testing. Allele origin: germline. Affected: no.

Clinical Genetics DNA and cytogenetics Diagnostics Lab, Erasmus MC, Erasmus Medical Center
Classification: Likely benign. Review status: no assertion criteria provided. Collection method: clinical testing. Allele origin: germline. Affected: yes. Study: VKGL Data-share Consensus. Not counted in ClinVar's aggregate classification.

Clinical Genetics, Academic Medical Center
Classification: Benign. Review status: no assertion criteria provided. Collection method: clinical testing. Allele origin: germline. Affected: yes. Study: VKGL Data-share Consensus. Not counted in ClinVar's aggregate classification.